The following is an entry in ClinVar:

ClinVar aggregate classification (germline): Uncertain significance (1 of 4 stars; one submission).

Submission:

Labcorp Genetics (formerly Invitae), Labcorp
Classification: Uncertain significance. Last evaluated: 2023-11-21. Review status: criteria provided, single submitter. Criteria: Invitae Variant Classification Sherloc (09022015). Collection method: clinical testing. Allele origin: germline.
Comment: This sequence change replaces asparagine, which is neutral and polar, with lysine, which is basic and polar, at codon 101 of the BMP1 protein (p.Asn101Lys). This variant is not present in population databases (gnomAD no frequency). This variant has not been reported in the literature in individuals affected with BMP1-related conditions. An algorithm developed to predict the effect of missense changes on protein structure and function (PolyPhen-2) suggests that this variant is likely to be tolerated. In summary, the available evidence is currently insufficient to determine the role of this variant in disease. Therefore, it has been classified as a Variant of Uncertain Significance.

NM_006129.5(BMP1):c.303C>G (p.Asn101Lys)

Gene: BMP1 (bone morphogenetic protein 1; plus strand). Cytogenetic location: 8p21.3.
Variant type: single nucleotide variant.
Coding change: c.303C>G on transcript NM_006129.5 (MANE Select); coding-DNA position 303, C replaced by G.
Protein change: p.Asn101Lys; replaces asparagine 101 with lysine.
Molecular consequence: missense variant. On other transcripts: non-coding transcript variant (2).
Genome position (GRCh38, 1-based): chr8:22,176,183, C>G. VCF-style: chr8-22176183-C-G. GRCh37 (hg19) VCF-style: chr8-22033696-C-G.
Other names: c.303C>G, p.Asn101Lys (NM_001199.4); short protein forms N101K.
Identifiers: ClinVar variation 2749847 (VCV002749847.3), dbSNP rs201834665, ClinGen allele CA173491724.